The following is an entry in ClinVar:

NM_000440.3(PDE6A):c.742G>A (p.Val248Ile)

Gene: PDE6A (phosphodiesterase 6A; minus strand). Cytogenetic location: 5q32.
Variant type: single nucleotide variant.
Coding change: c.742G>A on transcript NM_000440.3 (MANE Select); coding-DNA position 742, G replaced by A.
Protein change: p.Val248Ile; replaces valine 248 with isoleucine.
Molecular consequence: missense variant.
Genome position (GRCh38, 1-based): chr5:149,931,144, C>T on the plus strand (G>A on the coding strand, the complement: PDE6A is on the minus strand). VCF-style: chr5-149931144-C-T. GRCh37 (hg19) VCF-style: chr5-149310707-C-T.
Other names: c.742G>A (NM_000440.2); short protein forms V248I.
Identifiers: ClinVar variation 1000298 (VCV001000298.11), dbSNP rs982107290, ClinGen allele CA129053690.

ClinVar aggregate classification (germline): Uncertain significance. Review status: criteria provided, multiple submitters, no conflicts (2 of 4 stars). 3 submissions from 3 submitters: Uncertain significance (3). Last evaluated 2025-08-21.

Conditions:
Inborn genetic diseases. Identifiers: MedGen C0950123, MeSH D030342.

Allele frequency attached by ClinVar (database versions not stated): TOPMed below 0.00001; gnomAD exomes 0.00001.
gnomAD v4.1: 11 of 1,614,142 alleles (0.00068%); highest among the groups gnomAD compares: Non-Finnish European, 0.00093%; no homozygotes.

Submissions (3):

Ambry Genetics
Classification: Uncertain significance for Inborn genetic diseases. Last evaluated: 2025-08-21. Review status: criteria provided, single submitter. Criteria: Ambry Variant Classification Scheme 2023. Collection method: clinical testing. Allele origin: germline.

Labcorp Genetics (formerly Invitae), Labcorp
Classification: Uncertain significance. Last evaluated: 2020-02-25. Review status: criteria provided, single submitter. Criteria: Invitae Variant Classification Sherloc (09022015). Collection method: clinical testing. Allele origin: germline.
Comment: This sequence change replaces valine with isoleucine at codon 248 of the PDE6A protein (p.Val248Ile). The valine residue is highly conserved and there is a small physicochemical difference between valine and isoleucine. This variant is not present in population databases (ExAC no frequency). This variant has not been reported in the literature in individuals with PDE6A-related conditions. Algorithms developed to predict the effect of missense changes on protein structure and function are either unavailable or do not agree on the potential impact of this missense change (SIFT: "Tolerated"; PolyPhen-2: "Probably Damaging"; Align-GVGD: "Class C0"). In summary, the available evidence is currently insufficient to determine the role of this variant in disease. Therefore, it has been classified as a Variant of Uncertain Significance.

Blueprint Genetics
Classification: Uncertain significance. Last evaluated: 2018-05-24. Review status: criteria provided, single submitter. Criteria: ACMG Guidelines, 2015. Collection method: clinical testing. Allele origin: germline.